The following is an entry in ClinVar:

ClinVar aggregate classification (germline): Conflicting classifications of pathogenicity. Review status: criteria provided, conflicting classifications (1 of 4 stars). 2 submissions from 2 submitters: Likely pathogenic (1); Uncertain significance (1). Last evaluated 2025-08-15.

Conditions:
Hereditary cancer-predisposing syndrome. Also called: Tumor predisposition; Hereditary Cancer Syndrome; Hereditary neoplastic syndrome; Neoplastic Syndromes, Hereditary. Identifiers: Orphanet 140162, MedGen C0027672, MeSH D009386, MONDO:0015356.
Familial adenomatous polyposis 2. Also called: FAP type 2; MUTYH Polyposis; COLORECTAL ADENOMATOUS POLYPOSIS, AUTOSOMAL RECESSIVE; ADENOMAS, MULTIPLE COLORECTAL, AUTOSOMAL RECESSIVE; MUTYH-associated polyposis; MUTYH-related attenuated familial adenomatous polyposis. Identifiers: Orphanet 220460, Orphanet 247798, MedGen C3272841, MONDO:0012041, OMIM 608456.

Submissions (2):

Ambry Genetics
Classification: Likely pathogenic for Hereditary cancer-predisposing syndrome. Last evaluated: 2025-08-15. Review status: criteria provided, single submitter. Criteria: Ambry Variant Classification Scheme 2023. Collection method: clinical testing. Allele origin: germline.
Comment: The p.G237D variant (also known as c.710G>A), located in coding exon 9 of the MUTYH gene, results from a G to A substitution at nucleotide position 710. The glycine at codon 237 is replaced by aspartic acid, an amino acid with similar properties. In a massively parallel cell-based functional assay testing 7,8-dihydro-8- oxoguanine:adenine (8OG:A) repair activity, a byproduct of oxidative damage, this variant was reported to be non-functional (Hemker SL et al. Am J Hum Genet. Published online July 29, 2025. DOI: 10.1016/j.ajhg.2025.07.005). This amino acid position is highly conserved in available vertebrate species. In addition, this alteration is predicted to be deleterious by in silico analysis. This variant is considered to be rare based on population cohorts in the Genome Aggregation Database (gnomAD). Based on the majority of available evidence to date, this variant is likely to be pathogenic.

Labcorp Genetics (formerly Invitae), Labcorp
Classification: Uncertain significance for Familial adenomatous polyposis 2. Last evaluated: 2021-08-30. Review status: criteria provided, single submitter. Criteria: Invitae Variant Classification Sherloc (09022015). Collection method: clinical testing. Allele origin: germline.
Comment: This sequence change replaces glycine with aspartic acid at codon 237 of the MUTYH protein (p.Gly237Asp). The glycine residue is highly conserved and there is a moderate physicochemical difference between glycine and aspartic acid. This variant is not present in population databases (ExAC no frequency). This variant has not been reported in the literature in individuals affected with MUTYH-related conditions. Algorithms developed to predict the effect of missense changes on protein structure and function (SIFT, PolyPhen-2, Align-GVGD) all suggest that this variant is likely to be disruptive. In summary, the available evidence is currently insufficient to determine the role of this variant in disease. Therefore, it has been classified as a Variant of Uncertain Significance.

Literature cited by the submitters: PubMed 40738107 (cited by Ambry Genetics).

NM_001048174.2(MUTYH):c.626G>A (p.Gly209Asp)

Gene: MUTYH (mutY DNA glycosylase; minus strand). Cytogenetic location: 1p34.1.
Variant type: single nucleotide variant.
Coding change: c.626G>A on transcript NM_001048174.2 (MANE Select); coding-DNA position 626, G replaced by A.
Protein change: p.Gly209Asp; replaces glycine 209 with aspartic acid.
Molecular consequence: missense variant. On other transcripts: non-coding transcript variant (2).
Genome position (GRCh38, 1-based): chr1:45,332,469, C>T on the plus strand (G>A on the coding strand, the complement: MUTYH is on the minus strand). VCF-style: chr1-45332469-C-T. GRCh37 (hg19) VCF-style: chr1-45798141-C-T.
Other names: c.626G>A, p.Gly209Asp (NM_001048171.2, NM_001048173.2, NM_001293195.2); c.629G>A, p.Gly210Asp (NM_001048172.2); c.710G>A, p.Gly237Asp (NM_001128425.2); c.671G>A, p.Gly224Asp (NM_001293190.2); c.659G>A, p.Gly220Asp (NM_001293191.2); c.350G>A, p.Gly117Asp (NM_001293192.2, NM_001293196.2); c.281G>A, p.Gly94Asp (NM_001350650.2, NM_001350651.2); c.701G>A, p.Gly234Asp (NM_012222.3); short protein forms G117D, G209D, G224D, G210D, G220D, G234D, G237D, G94D.
Identifiers: ClinVar variation 826846 (VCV000826846.12), dbSNP rs1570409596, ClinGen allele CA340134895.